The following is an entry in ClinVar:

ClinVar aggregate classification (germline): Conflicting classifications of pathogenicity. Review status: criteria provided, conflicting classifications (1 of 4 stars). 2 submissions from 2 submitters: Uncertain significance (1); Likely benign (1). Last evaluated 2024-03-15.

Conditions:
Cortical dysplasia-focal epilepsy syndrome (PTHSL1). Also called: Pitt-Hopkins-like syndrome 1. Identifiers: Orphanet 163681, Orphanet 221150, MedGen C2750246, MONDO:0012400, OMIM 610042.

Allele frequency attached by ClinVar (database versions not stated): gnomAD exomes below 0.00001.
gnomAD v4.1: 2 of 1,612,260 alleles (0.00012%); highest among the groups gnomAD compares: Non-Finnish European, 0.00017%; no homozygotes.

Submissions (2):

Labcorp Genetics (formerly Invitae), Labcorp
Classification: Likely benign for Cortical dysplasia-focal epilepsy syndrome. Last evaluated: 2024-03-15. Review status: criteria provided, single submitter. Criteria: Invitae Variant Classification Sherloc (09022015). Collection method: clinical testing. Allele origin: germline.

GeneDx
Classification: Uncertain significance. Last evaluated: 2016-04-12. Review status: criteria provided, single submitter. Criteria: GeneDx Variant Classification (06012015). Collection method: clinical testing. Allele origin: germline. Affected: yes.
Comment: A variant of uncertain significance in the CNTNAP2 gene has been identified. The c.2773+12 A>T variant has not been published as a pathogenic variant, nor has it been reported as a benign variant to our knowledge. It was not observed in approximately 6,500 individuals of European and African American ancestry in the NHLBI Exome Sequencing Project, indicating it is not a common benign variant in these populations. Several in-silico splice prediction models predict that c.2773+12 A>T creates a cryptic donor site, which may supplant the natural donor for intron 17 and lead to abnormal gene splicing. However, in the absence of RNA/functional studies, the actual effect of this sequence change in this individual is unknown. Therefore, based on the currently available information, it is unclear whether this variant is a pathogenic variant or a rare benign variant.

NM_014141.6(CNTNAP2):c.2773+12A>T

Gene: CNTNAP2 (contactin associated protein 2; plus strand). Cytogenetic location: 7q35.
Variant type: single nucleotide variant.
Coding change: c.2773+12A>T on transcript NM_014141.6 (MANE Select); 12 bases into the intron after coding-DNA position 2773, A replaced by T.
Molecular consequence: intron variant.
Genome position (GRCh38, 1-based): chr7:148,147,721, A>T. VCF-style: chr7-148147721-A-T. GRCh37 (hg19) VCF-style: chr7-147844813-A-T.
Identifiers: ClinVar variation 420882 (VCV000420882.4), dbSNP rs1064794765, ClinGen allele CA16618385.